The following is an entry in ClinVar:

NM_000268.4(NF2):c.1447-4A>G

Gene: NF2 (NF2, moesin-ezrin-radixin like (MERLIN) tumor suppressor; plus strand). Cytogenetic location: 22q12.2.
Variant type: single nucleotide variant.
Coding change: c.1447-4A>G on transcript NM_000268.4 (MANE Select); 4 bases into the intron before coding-DNA position 1447, A replaced by G.
Molecular consequence: intron variant.
Genome position (GRCh38, 1-based): chr22:29,678,192, A>G. VCF-style: chr22-29678192-A-G. GRCh37 (hg19) VCF-style: chr22-30074181-A-G.
Other names: c.1447-4A>G (NM_000268.3, NM_016418.5, NM_181832.3 and 3 more transcripts); c.1333-4A>G (NM_001407056.1, NM_001407053.1); c.1216-4A>G (NM_001407067.1); c.913-4A>G (NM_001407065.1); c.1312-4A>G (NM_001407059.1, NM_001407057.1); c.448-16560A>G (NM_181833.3); c.1324-4A>G (NM_001407058.1, NM_181829.3, NM_001407054.1); c.1189-4A>G (NM_001407062.1); and 2 more.
Identifiers: ClinVar variation 2883529 (VCV002883529.3), dbSNP rs2518711179, ClinGen allele CA2739267875.

ClinVar aggregate classification (germline): Uncertain significance. Review status: criteria provided, multiple submitters, no conflicts (2 of 4 stars). 2 submissions from 2 submitters: Uncertain significance (2). Last evaluated 2025-09-10.

Conditions:
Hereditary cancer-predisposing syndrome. Also called: Tumor predisposition; Hereditary neoplastic syndrome; Hereditary Cancer Syndrome; Neoplastic Syndromes, Hereditary. Identifiers: Orphanet 140162, MedGen C0027672, MeSH D009386, MONDO:0015356.
Neurofibromatosis, type 2 (SWNV). Also called: BILATERAL ACOUSTIC NEUROFIBROMATOSIS; NF2-Related Schwannomatosis; SCHWANNOMATOSIS, VESTIBULAR. Identifiers: Orphanet 637, MedGen C0027832, MONDO:0007039, OMIM 101000. Disease mechanism: loss of function.

Submissions (2):

Labcorp Genetics (formerly Invitae), Labcorp
Classification: Uncertain significance for Neurofibromatosis, type 2. Last evaluated: 2025-09-10. Review status: criteria provided, single submitter. Criteria: Invitae Variant Classification Sherloc (09022015). Collection method: clinical testing. Allele origin: germline.
Comment: This sequence change falls in intron 13 of the NF2 gene. It does not directly change the encoded amino acid sequence of the NF2 protein. This variant is not present in population databases (gnomAD no frequency). This variant has not been reported in the literature in individuals affected with NF2-related conditions. ClinVar contains an entry for this variant (Variation ID: 2883529). Algorithms developed to predict the effect of sequence changes on RNA splicing suggest that this variant may create or strengthen a splice site. In summary, the available evidence is currently insufficient to determine the role of this variant in disease. Therefore, it has been classified as a Variant of Uncertain Significance.

Ambry Genetics
Classification: Uncertain significance for Hereditary cancer-predisposing syndrome. Last evaluated: 2025-04-11. Review status: criteria provided, single submitter. Criteria: Ambry Variant Classification Scheme 2023. Collection method: clinical testing. Allele origin: germline.
Comment: The c.1447-4A>G intronic variant results from an A to G substitution 4 nucleotides upstream from coding exon 14 in the NF2 gene. This nucleotide position is not well conserved in available vertebrate species. In silico splice site analysis predicts that this alteration will result in the creation or strengthening of a novel splice acceptor site; however, direct evidence is insufficient at this time (Ambry internal data). Based on the available evidence, the clinical significance of this variant remains unclear.